The following is an entry in ClinVar:

ClinVar aggregate classification (germline): Uncertain significance. Review status: criteria provided, multiple submitters, no conflicts (2 of 4 stars). 2 submissions from 2 submitters: Uncertain significance (2). Last evaluated 2022-07-01.

Allele frequency attached by ClinVar (database versions not stated): gnomAD exomes below 0.00001.

Submissions (2):

Ambry Genetics
Classification: Uncertain significance. Last evaluated: 2022-07-01. Review status: criteria provided, single submitter. Criteria: Ambry Variant Classification Scheme 2023. Collection method: clinical testing. Allele origin: germline.
Comment: The p.D558E variant (also known as c.1674C>G), located in coding exon 13 of the RECQL gene, results from a C to G substitution at nucleotide position 1674. The aspartic acid at codon 558 is replaced by glutamic acid, an amino acid with highly similar properties. This amino acid position is highly conserved in available vertebrate species. In addition, this alteration is predicted to be tolerated by in silico analysis. Since supporting evidence is limited at this time, the clinical significance of this alteration remains unclear.

Labcorp Genetics (formerly Invitae), Labcorp
Classification: Uncertain significance. Last evaluated: 2022-06-18. Review status: criteria provided, single submitter. Criteria: Invitae Variant Classification Sherloc (09022015). Collection method: clinical testing. Allele origin: germline.
Comment: In summary, the available evidence is currently insufficient to determine the role of this variant in disease. Therefore, it has been classified as a Variant of Uncertain Significance. Algorithms developed to predict the effect of missense changes on protein structure and function are either unavailable or do not agree on the potential impact of this missense change (SIFT: "Deleterious"; PolyPhen-2: "Benign"; Align-GVGD: "Class C0"). ClinVar contains an entry for this variant (Variation ID: 1027246). This variant has not been reported in the literature in individuals affected with RECQL-related conditions. This variant is not present in population databases (gnomAD no frequency). This sequence change replaces aspartic acid, which is acidic and polar, with glutamic acid, which is acidic and polar, at codon 558 of the RECQL protein (p.Asp558Glu).

NM_002907.4(RECQL):c.1674C>G (p.Asp558Glu)

Genes: PYROXD1 (pyridine nucleotide-disulphide oxidoreductase domain 1; plus strand), RECQL (RecQ like helicase; minus strand). Cytogenetic location: 12p12.1.
Variant type: single nucleotide variant.
Coding change: c.1674C>G on transcript NM_002907.4 (MANE Select); coding-DNA position 1674, C replaced by G.
Protein change: p.Asp558Glu; replaces aspartic acid 558 with glutamic acid.
Molecular consequence: missense variant. On other transcripts: 3 prime UTR variant (3).
Genome position (GRCh38, 1-based): chr12:21,471,092, G>C on the plus strand (C>G on the coding strand, the complement: RECQL is on the minus strand). VCF-style: chr12-21471092-G-C. GRCh37 (hg19) VCF-style: chr12-21624026-G-C.
Other names: c.1674C>G, p.Asp558Glu (NM_032941.3); c.*2338G>C (NM_001350912.2, NM_001350913.2, NM_024854.5); short protein forms D558E.
Identifiers: ClinVar variation 1027246 (VCV001027246.11), dbSNP rs1565561097, ClinGen allele CA384114787.